The following is an entry in ClinVar:

NC_000002.11:g.(?_148730288)_(149270510_?)del

Genes: MBD5 (methyl-CpG binding domain protein 5; plus strand), ORC4 (origin recognition complex subunit 4; minus strand). Cytogenetic location: 2q23.1.
Variant type: Deletion.
Identifiers: ClinVar variation 1460283 (VCV001460283.5).

ClinVar aggregate classification (germline): Pathogenic (1 of 4 stars; one submission).

Conditions:
Intellectual developmental disorder, autosomal dominant 1. Also called: MBD5 Haploinsufficiency; Intellectual disability, autosomal dominant 1. Identifiers: Orphanet 228402, MedGen C1969562, MONDO:0007974, OMIM 156200.

Submission:

Labcorp Genetics (formerly Invitae), Labcorp
Classification: Pathogenic for Intellectual developmental disorder, autosomal dominant 1. Last evaluated: 2022-08-23. Review status: criteria provided, single submitter. Criteria: Invitae Variant Classification Sherloc (09022015). Collection method: clinical testing. Allele origin: germline.
Comment: A gross deletion of the genomic region encompassing the full coding sequence of the MBD5 gene has been identified. Loss-of-function variants in MBD5 are known to be pathogenic (PMID: 23422940, 23587880). The boundaries of this event are unknown as they extend beyond the assayed region for this gene and therefore may encompass additional genes. Isolated whole-gene deletions of MBD5 have not been reported in the literature. However, larger copy number events that include this gene have been reported (PMID: 19809484, 19904302, 24885232). For these reasons, this variant has been classified as Pathogenic.

Literature cited by the submitters: PubMed 23422940; PubMed 23587880; PubMed 19809484; PubMed 19904302; PubMed 24885232.